The following is an entry in ClinVar:

NM_001142864.4(PIEZO1):c.307C>T (p.Arg103Ter)

Gene: PIEZO1 (piezo type mechanosensitive ion channel component 1 (Er blood group); minus strand). Cytogenetic location: 16q24.3.
Variant type: single nucleotide variant.
Coding change: c.307C>T on transcript NM_001142864.4 (MANE Select); coding-DNA position 307, C replaced by T.
Protein change: p.Arg103Ter; replaces arginine 103 with a stop codon.
Molecular consequence: nonsense.
Genome position (GRCh38, 1-based): chr16:88,742,072, G>A on the plus strand (C>T on the coding strand, the complement: PIEZO1 is on the minus strand). VCF-style: chr16-88742072-G-A. GRCh37 (hg19) VCF-style: chr16-88808480-G-A.
Other names: short protein forms R103*.
Identifiers: ClinVar variation 1344888 (VCV001344888.4), dbSNP rs759026521, ClinGen allele CA397124081.

ClinVar aggregate classification (germline): Pathogenic (1 of 4 stars; one submission).

Conditions:
Dehydrated hereditary stomatocytosis with or without pseudohyperkalemia and/or perinatal edema (DHS1). Also called: PSEUDOHYPERKALEMIA EDINBURGH; DEHYDRATED HEREDITARY STOMATOCYTOSIS AND PSEUDOHYPERKALEMIA; DEHYDRATED HEREDITARY STOMATOCYTOSIS WITH PSEUDOHYPERKALEMIA AND PERINATAL EDEMA; Pseudohyperkalemia, familial, 1, due to red cell leak; Dehydrated hereditary stomatocytosis 1 with or without pseudohyperkalemia and/or perinatal edema. Identifiers: Orphanet 3202, MedGen C4551512, MONDO:0008689, OMIM 194380.

Submission:

Dasa
Classification: Pathogenic for Dehydrated hereditary stomatocytosis with or without pseudohyperkalemia and/or perinatal edema. Last evaluated: 2022-03-05. Review status: criteria provided, single submitter. Criteria: ACMG Guidelines, 2015. Collection method: clinical testing. Allele origin: germline. Affected: yes. Observed: 1 variant allele.
Comment: The c.307C>T;p.(Arg103*) variant creates a premature translational stop signal in the PIEZO1 gene. It is expected to result in an absent or disrupted protein product - PVS1. . This variant is not present in population databases (rs759026521- gnomAD; ABraOM no frequency) - PM2. The p.(Arg103*) was detected in trans with a pathogenic variant (PMID: 28518170) - PM3. In summary, the currently available evidence indicates that the variant is pathogenic.

Literature cited by the submitters: PubMed 28518170.